The following is an entry in ClinVar:

ClinVar aggregate classification (germline): Pathogenic (1 of 4 stars; one submission).

Conditions:
Primary ciliary dyskinesia. Also called: Ciliary dyskinesia. Identifiers: Orphanet 244, MedGen C0008780, MONDO:0016575, HP:0012265.

Submission:

Labcorp Genetics (formerly Invitae), Labcorp
Classification: Pathogenic for Primary ciliary dyskinesia. Last evaluated: 2025-12-15. Review status: criteria provided, single submitter. Criteria: Invitae Variant Classification Sherloc (09022015). Collection method: clinical testing. Allele origin: germline.
Comment: This sequence change creates a premature translational stop signal (p.Thr303Asnfs*13) in the DNAAF2 gene. It is expected to result in an absent or disrupted protein product. Loss-of-function variants in DNAAF2 are known to be pathogenic (PMID: 19052621, 24498942). This variant is not present in population databases (gnomAD no frequency). This variant has not been reported in the literature in individuals affected with DNAAF2-related conditions. ClinVar contains an entry for this variant (Variation ID: 3657948). For these reasons, this variant has been classified as Pathogenic.

Literature cited by the submitters: PubMed 19052621; PubMed 24498942.

NM_018139.3(DNAAF2):c.905dup (p.Thr303fs)

Gene: DNAAF2 (dynein axonemal assembly factor 2; minus strand). Cytogenetic location: 14q21.3.
Variant type: Duplication.
Coding change: c.905dup on transcript NM_018139.3 (MANE Select); coding-DNA position 905, one base duplicated (T; older notation c.905dupT).
Protein change: p.Thr303fs; shifts the reading frame from threonine 303.
Molecular consequence: frameshift variant.
Genome position (GRCh38, 1-based): chr14:49,634,245, A duplicated on the plus strand (T on the coding strand, the reverse complement: DNAAF2 is on the minus strand). VCF-style (leftmost placement, unchanged base first): chr14-49634244-T-TA. GRCh37 (hg19) VCF-style: chr14-50100962-T-TA.
Other names: c.905dup, p.Thr303fs (NM_001083908.2); short protein forms T303fs.
Identifiers: ClinVar variation 3657948 (VCV003657948.2).